The following is an entry in ClinVar:

NM_001204.7(BMPR2):c.179G>T (p.Cys60Phe)

Gene: BMPR2 (bone morphogenetic protein receptor type 2; plus strand). Cytogenetic location: 2q33.1.
Variant type: single nucleotide variant.
Coding change: c.179G>T on transcript NM_001204.7 (MANE Select); coding-DNA position 179, G replaced by T.
Protein change: p.Cys60Phe; replaces cysteine 60 with phenylalanine.
Molecular consequence: missense variant.
Genome position (GRCh38, 1-based): chr2:202,464,911, G>T. VCF-style: chr2-202464911-G-T. GRCh37 (hg19) VCF-style: chr2-203329634-G-T.
Other names: short protein forms C60F.
Identifiers: ClinVar variation 834594 (VCV000834594.1), dbSNP rs1085307172, ClinGen allele CA350399336.

ClinVar aggregate classification (germline): Uncertain significance (1 of 4 stars; one submission).

Conditions:
Pulmonary hypertension, primary, 1 (PPH1). Also called: Pulmonary hypertension, familial primary, 1, with or without HHT. Identifiers: Orphanet 422, MedGen C4552070, MONDO:0024533, OMIM 178600.

Submission:

Labcorp Genetics (formerly Invitae), Labcorp
Classification: Uncertain significance for Idiopathic Pulmonary Hypertension. Last evaluated: 2019-04-11. Review status: criteria provided, single submitter. Criteria: Invitae Variant Classification Sherloc (09022015). Collection method: clinical testing. Allele origin: germline.
Comment: This sequence change replaces cysteine with phenylalanine at codon 60 of the BMPR2 protein (p.Cys60Phe). The cysteine residue is highly conserved and there is a large physicochemical difference between cysteine and phenylalanine. This variant is not present in population databases (ExAC no frequency). This variant has not been reported in the literature in individuals with BMPR2-related conditions. Algorithms developed to predict the effect of missense changes on protein structure and function (SIFT, PolyPhen-2, Align-GVGD) all suggest that this variant is likely to be disruptive, but these predictions have not been confirmed by published functional studies and their clinical significance is uncertain. This variant disrupts the p.Cys60 amino acid residue in BMPR2. Other variant(s) that disrupt this residue have been observed in individuals with BMPR2-related conditions (PMID: 29743074, 11015450, 21737554, 26387786), which suggests that this may be a clinically significant amino acid residue. In summary, the available evidence is currently insufficient to determine the role of this variant in disease. Therefore, it has been classified as a Variant of Uncertain Significance.

Literature cited by the submitters: PubMed 21737554; PubMed 29743074; PubMed 26387786; PubMed 11015450.